The following is an entry in ClinVar:

NM_006440.5(TXNRD2):c.70_76dup (p.Val26fs)

Genes: TXNRD2 (thioredoxin reductase 2; minus strand), LOC130066960 (ATAC-STARR-seq lymphoblastoid silent region 13467; plus strand). Cytogenetic location: 22q11.21.
Variant type: Duplication.
Coding change: c.70_76dup on transcript NM_006440.5 (MANE Select); coding-DNA positions 70 to 76, 7 bases duplicated (GGCGGGG; older notation c.70_76dupGGCGGGG).
Protein change: p.Val26fs; shifts the reading frame from valine 26.
Molecular consequence: frameshift variant. On other transcripts: non-coding transcript variant (1).
Genome position (GRCh38, 1-based): chr22:19,941,728-19,941,734, CCCCGCC duplicated on the plus strand (GGCGGGG on the coding strand, the reverse complement: TXNRD2 is on the minus strand); duplicating any 7 consecutive bases within chr22:19,941,728-19,941,735 gives the same sequence; the c. name uses the placement nearest the transcript's 3' end. VCF-style (leftmost placement, unchanged base first): chr22-19941727-A-ACCCCGCC. GRCh37 (hg19) VCF-style: chr22-19929250-A-ACCCCGCC.
Other names: c.70_76dup, p.Val26fs (NM_001282512.3, NM_001352300.2); c.70_76dupGGCGGGG (NM_006440.3); short protein forms V26fs.
Identifiers: ClinVar variation 2181160 (VCV002181160.5), dbSNP rs1474684045, ClinGen allele CA751471937.

ClinVar aggregate classification (germline): Uncertain significance. Review status: criteria provided, multiple submitters, no conflicts (2 of 4 stars). 2 submissions from 2 submitters: Uncertain significance (2). Last evaluated 2024-02-18.

Conditions:
Primary dilated cardiomyopathy (DCM). Also called: Dilated Cardiomyopathy. Identifiers: Orphanet 217604, MedGen C0007193, MeSH D002311, MONDO:0005021, HP:0001644. Inheritance: Various modes of inheritance.
Cardiovascular phenotype. Identifiers: MedGen CN230736.

Submissions (2):

Labcorp Genetics (formerly Invitae), Labcorp
Classification: Uncertain significance for Primary dilated cardiomyopathy. Last evaluated: 2024-02-18. Review status: criteria provided, single submitter. Criteria: Invitae Variant Classification Sherloc (09022015). Collection method: clinical testing. Allele origin: germline.
Comment: This sequence change creates a premature translational stop signal (p.Val26GlyfsTer18) in the TXNRD2 gene. It is expected to result in an absent or disrupted protein product. However, the current clinical and genetic evidence is not sufficient to establish whether loss-of-function variants in TXNRD2 cause disease. This variant is not present in population databases (gnomAD no frequency). This variant has not been reported in the literature in individuals affected with TXNRD2-related conditions. ClinVar contains an entry for this variant (Variation ID: 2181160). Algorithms developed to predict the effect of sequence changes on RNA splicing suggest that this variant may disrupt the consensus splice site. In summary, the available evidence is currently insufficient to determine the role of this variant in disease. Therefore, it has been classified as a Variant of Uncertain Significance.

Ambry Genetics
Classification: Uncertain significance for Cardiovascular phenotype. Last evaluated: 2023-04-21. Review status: criteria provided, single submitter. Criteria: Ambry Variant Classification Scheme 2023. Collection method: clinical testing. Allele origin: germline.
Comment: The c.70_76dupGGCGGGG variant, located in coding exon 1 of the TXNRD2 gene, results from a duplication of GGCGGGG at nucleotide position 70, causing a translational frameshift with a predicted alternate stop codon (p.V26Gfs*18). This alteration is expected to result in loss of function by premature protein truncation or nonsense-mediated mRNA decay. However, the evidence for this gene-disease relationship is limited; therefore, the clinical significance of this alteration is unclear.